The following is an entry in ClinVar:

ClinVar aggregate classification (germline): Likely pathogenic (1 of 4 stars; one submission).

Conditions:
Renal carnitine transport defect (CDSP). Also called: Primary carnitine deficiency; Systemic primary carnitine deficiency; Carnitine transporter deficiency; Carnitine Deficiency, Systemic; Systemic primary carnitine deficiency disease; CARNITINE DEFICIENCY, SYSTEMIC, DUE TO DEFECT IN RENAL REABSORPTION OF CARNITINE. Identifiers: Orphanet 158, MedGen C0342788, MONDO:0008919, OMIM 212140.

Allele frequency attached by ClinVar (database versions not stated): gnomAD exomes below 0.00001.
gnomAD v4.1: 1 of 1,614,214 alleles (0.000062%); highest among the groups gnomAD compares: Non-Finnish European, 0.000085%; no homozygotes.

Submission:

Labcorp Genetics (formerly Invitae), Labcorp
Classification: Likely pathogenic for Renal carnitine transport defect. Last evaluated: 2024-03-04. Review status: criteria provided, single submitter. Criteria: Invitae Variant Classification Sherloc (09022015). Collection method: clinical testing. Allele origin: germline.
Comment: This sequence change replaces serine, which is neutral and polar, with proline, which is neutral and non-polar, at codon 467 of the SLC22A5 protein (p.Ser467Pro). This variant is not present in population databases (gnomAD no frequency). This variant has not been reported in the literature in individuals affected with SLC22A5-related conditions. ClinVar contains an entry for this variant (Variation ID: 1947731). Advanced modeling of protein sequence and biophysical properties (such as structural, functional, and spatial information, amino acid conservation, physicochemical variation, residue mobility, and thermodynamic stability) performed at Invitae indicates that this missense variant is expected to disrupt SLC22A5 protein function with a positive predictive value of 95%. This variant disrupts the p.Ser467 amino acid residue in SLC22A5. Other variant(s) that disrupt this residue have been determined to be pathogenic (PMID: 10545605, 12183691, 20074989, 21922592). This suggests that this residue is clinically significant, and that variants that disrupt this residue are likely to be disease-causing. In summary, the currently available evidence indicates that the variant is pathogenic, but additional data are needed to prove that conclusively. Therefore, this variant has been classified as Likely Pathogenic.

Literature cited by the submitters: PubMed 10545605; PubMed 12183691; PubMed 20074989; PubMed 21922592.

NM_003060.4(SLC22A5):c.1399T>C (p.Ser467Pro)

Gene: SLC22A5 (solute carrier family 22 member 5; plus strand). Cytogenetic location: 5q31.1.
Variant type: single nucleotide variant.
Coding change: c.1399T>C on transcript NM_003060.4 (MANE Select); coding-DNA position 1399, T replaced by C.
Protein change: p.Ser467Pro; replaces serine 467 with proline.
Molecular consequence: missense variant.
Genome position (GRCh38, 1-based): chr5:132,392,564, T>C. VCF-style: chr5-132392564-T-C. GRCh37 (hg19) VCF-style: chr5-131728256-T-C.
Other names: c.1471T>C, p.Ser491Pro (NM_001308122.2); short protein forms S467P, S491P.
Identifiers: ClinVar variation 1947731 (VCV001947731.5), dbSNP rs2532138747, ClinGen allele CA360809151.